The following is an entry in ClinVar:

ClinVar aggregate classification (germline): Likely pathogenic. Review status: criteria provided, multiple submitters, no conflicts (2 of 4 stars). 2 submissions from 2 submitters: Likely pathogenic (2). Last evaluated 2024-10-25.

Conditions:
Urofacial syndrome type 1. Also called: HPSE2-Related Urofacial Syndrome. Identifiers: Orphanet 2704, MedGen CN033872, MONDO:0009368, OMIM 236730.

gnomAD v4.1: 1 of 1,552,936 alleles (0.000064%); highest among the groups gnomAD compares: African/African-American, 0.0014%; no homozygotes.

Submissions (2):

Labcorp Genetics (formerly Invitae), Labcorp
Classification: Likely pathogenic. Last evaluated: 2024-10-25. Review status: criteria provided, single submitter. Criteria: Invitae Variant Classification Sherloc (09022015). Collection method: clinical testing. Allele origin: germline.
Comment: This sequence change affects an acceptor splice site in intron 1 of the HPSE2 gene. It is expected to disrupt RNA splicing. Variants that disrupt the donor or acceptor splice site typically lead to a loss of protein function (PMID: 16199547), and loss-of-function variants in HPSE2 are known to be pathogenic (PMID: 20560210, 25510506). This variant is not present in population databases (gnomAD no frequency). This variant has not been reported in the literature in individuals affected with HPSE2-related conditions. Algorithms developed to predict the effect of sequence changes on RNA splicing suggest that this variant may disrupt the consensus splice site. In summary, the currently available evidence indicates that the variant is pathogenic, but additional data are needed to prove that conclusively. Therefore, this variant has been classified as Likely Pathogenic.

Fulgent Genetics
Classification: Likely pathogenic for Urofacial syndrome type 1. Last evaluated: 2024-01-03. Review status: criteria provided, single submitter. Criteria: ACMG Guidelines, 2015. Collection method: clinical testing. Allele origin: germline.

Literature cited by the submitters: PubMed 16199547 (cited by Labcorp Genetics (formerly Invitae), Labcorp); PubMed 20560210 (cited by Labcorp Genetics (formerly Invitae), Labcorp); PubMed 25510506 (cited by Labcorp Genetics (formerly Invitae), Labcorp).

NM_021828.5(HPSE2):c.291-1G>T

Gene: HPSE2 (heparanase 2 (inactive); minus strand). Cytogenetic location: 10q24.2.
Variant type: single nucleotide variant.
Coding change: c.291-1G>T on transcript NM_021828.5 (MANE Select); the canonical splice acceptor site of the intron before coding-DNA position 291, G replaced by T.
Molecular consequence: splice acceptor variant.
Genome position (GRCh38, 1-based): chr10:99,232,506, C>A on the plus strand (G>T on the coding strand, the complement: HPSE2 is on the minus strand). VCF-style: chr10-99232506-C-A. GRCh37 (hg19) VCF-style: chr10-100992263-C-A.
Other names: c.291-1G>T (NM_001166245.1, NM_001166244.1, NM_001166246.1).
Identifiers: ClinVar variation 3589700 (VCV003589700.3).